The following is an entry in ClinVar:

NM_020791.4(TAOK1):c.2716G>A (p.Gly906Arg)

Gene: TAOK1 (TAO kinase 1; plus strand). Cytogenetic location: 17q11.2.
Variant type: single nucleotide variant.
Coding change: c.2716G>A on transcript NM_020791.4 (MANE Select); coding-DNA position 2716, G replaced by A.
Protein change: p.Gly906Arg; replaces glycine 906 with arginine.
Molecular consequence: missense variant.
Genome position (GRCh38, 1-based): chr17:29,542,732, G>A. VCF-style: chr17-29542732-G-A. GRCh37 (hg19) VCF-style: chr17-27869750-G-A.
Other names: c.2272G>A, p.Gly758Arg (NM_025142.1); short protein forms G758R, G906R.
Identifiers: ClinVar variation 1709773 (VCV001709773.2), dbSNP rs2508357094, ClinGen allele CA398919115.
Genomic context (GRCh38, chr17:29,542,732, plus strand): 5'-GGTTTTAGTAATATGGTCCTTTCTAATCTCTCCCCTGAGGCATTCAGCCACAGCTACCCG[G>A]GAGCTTCTGGTTGGTCACACAACCCTACTGGGGGTCCAGGACCTCACTGGGGTCATCCCA-3'
Protein context (NP_065842.1, residues 896-916): SPEAFSHSYP[Gly906Arg]ASGWSHNPTG

ClinVar aggregate classification (germline): Uncertain significance (1 of 4 stars; one submission).

Conditions:
Developmental delay with or without intellectual impairment or behavioral abnormalities. Identifiers: MedGen C5562004, MONDO:0859199, OMIM 619575.

Submission:

MGZ Medical Genetics Center
Classification: Uncertain significance for Developmental delay with or without intellectual impairment or behavioral abnormalities. Last evaluated: 2022-08-26. Review status: criteria provided, single submitter. Criteria: ACMG Guidelines, 2015. Collection method: clinical testing. Allele origin: germline. Affected: yes. Observed: 1 variant allele.
Comment: ACMG criteria applied: PM2_SUP, PP3